The following is an entry in ClinVar:

ClinVar aggregate classification (germline): Conflicting classifications of pathogenicity. Review status: criteria provided, conflicting classifications (1 of 4 stars). 7 submissions from 7 submitters: Uncertain significance (1); Likely benign (4). 2 of the submissions do not count toward it. Last evaluated 2024-12-31.

Conditions:
Spastic paraplegia. Identifiers: MedGen C0037772, HP:0001258.
Charlevoix-Saguenay spastic ataxia (SACS). Also called: SPASTIC ATAXIA 6, AUTOSOMAL RECESSIVE; AUTOSOMAL RECESSIVE SPASTIC ATAXIA OF CHARLEVOIX-SAGUENAY; Spastic ataxia of Charlevoix-Saguenay. Identifiers: Orphanet 98, MedGen C1849140, MONDO:0010041, OMIM 270550.

Allele frequency attached by ClinVar (database versions not stated): ExAC 0.00008; ESP Exome Variant Server 0.00008; gnomAD 0.00010 and 0.00024; gnomAD exomes 0.00011; TOPMed 0.00027.
gnomAD v4.1: 140 of 1,613,818 alleles (0.0087%); highest among the groups gnomAD compares: Non-Finnish European, 0.0079%; 1 homozygote.

Submissions (7):

Athena Diagnostics
Classification: Likely benign. Last evaluated: 2024-12-31. Review status: criteria provided, single submitter. Criteria: Athena Diagnostics Criteria. Collection method: clinical testing. Allele origin: unknown.
Comment: The frequency of this variant in the general population is higher than would generally be expected for pathogenic variants in this gene. Computational tools yielded predictions that this variant is unlikely to have an effect on normal RNA splicing. This nucleotide position exhibits low evolutionary conservation.

Labcorp Genetics (formerly Invitae), Labcorp
Classification: Likely benign for Spastic paraplegia. Last evaluated: 2024-10-07. Review status: criteria provided, single submitter. Criteria: Invitae Variant Classification Sherloc (09022015). Collection method: clinical testing. Allele origin: germline.

CeGaT Center for Human Genetics Tuebingen
Classification: Likely benign. Last evaluated: 2023-01-01. Review status: criteria provided, single submitter. Criteria: CeGaT Center For Human Genetics Tuebingen Variant Classification Criteria Version 2. Collection method: clinical testing. Allele origin: germline. Affected: yes. Observed: 1 variant allele.
Comment: SACS: BP4, BP7

Genome-Nilou Lab
Classification: Likely benign for Charlevoix-Saguenay spastic ataxia. Last evaluated: 2021-09-05. Review status: criteria provided, single submitter. Criteria: ACMG Guidelines, 2015. Collection method: clinical testing. Allele origin: germline. Affected: no.

Illumina Laboratory Services, Illumina
Classification: Uncertain significance for Charlevoix-Saguenay spastic ataxia. Last evaluated: 2018-01-13. Review status: criteria provided, single submitter. Criteria: ICSL Variant Classification Criteria 13 December 2019. Collection method: clinical testing. Allele origin: germline.

Natera, Inc.
Classification: Likely benign for Charlevoix-Saguenay type spastic ataxia. Last evaluated: 2020-04-29. Review status: no assertion criteria provided. Collection method: clinical testing. Allele origin: germline. Not counted in ClinVar's aggregate classification.

Mayo Clinic Laboratories, Mayo Clinic
Classification: Likely benign. Last evaluated: 2016-02-23. Review status: no assertion criteria provided. Collection method: clinical testing. Allele origin: unknown. Not counted in ClinVar's aggregate classification.

NM_014363.6(SACS):c.8577C>T (p.His2859=)

Gene: SACS (sacsin molecular chaperone; minus strand). Cytogenetic location: 13q12.12.
Variant type: single nucleotide variant.
Coding change: c.8577C>T on transcript NM_014363.6 (MANE Select); coding-DNA position 8577, C replaced by T.
Protein change: p.His2859=; no amino-acid change (histidine 2859 retained).
Molecular consequence: synonymous variant.
Genome position (GRCh38, 1-based): chr13:23,335,299, G>A on the plus strand (C>T on the coding strand, the complement: SACS is on the minus strand). VCF-style: chr13-23335299-G-A. GRCh37 (hg19) VCF-style: chr13-23909438-G-A.
Other names: c.8136C>T, p.His2712= (NM_001278055.2); c.8577C>T (NM_014363.4).
Identifiers: ClinVar variation 311517 (VCV000311517.47), dbSNP rs140016265, ClinGen allele CA6910746.
Genomic context (GRCh38, chr13:23,335,299, plus strand): 5'-CAGCCCAGTCTCCAAAGAAAGAGGCAAAAAACAGAAGGCCCTATGGGGTTTTTTATAGTT[G>A]TGAGTAATGCAGGCAGCTACTCCACCACGTGGGAAAAGAGTAATATCTTGGTTCTTGTGA-3'
Protein context (NP_055178.3, residues 2849-2869): PRGGVAACIT[His2859=]NYKKPHRAFC